The following is an entry in ClinVar:

NM_002468.5(MYD88):c.562C>T (p.Arg188Ter)

Gene: MYD88 (MYD88 innate immune signal transduction adaptor; plus strand). Cytogenetic location: 3p22.2.
Variant type: single nucleotide variant.
Coding change: c.562C>T on transcript NM_002468.5 (MANE Select); coding-DNA position 562, C replaced by T.
Protein change: p.Arg188Ter; replaces arginine 188 with a stop codon.
Molecular consequence: nonsense. On other transcripts: intron variant (2).
Genome position (GRCh38, 1-based): chr3:38,140,486, C>T. VCF-style: chr3-38140486-C-T. GRCh37 (hg19) VCF-style: chr3-38181977-C-T.
Other names: c.562C>T, p.Arg188Ter (NM_001172567.2, NM_001365876.1, NM_001374787.1); c.427C>T, p.Arg143Ter (NM_001172568.2, NM_001365877.1); c.464-271C>T (NM_001172569.3); c.329-271C>T (NM_001172566.2); short protein forms R143*, R188*, R201*.
Identifiers: ClinVar variation 4855985 (VCV004855985.1).

ClinVar aggregate classification (germline): Likely pathogenic (1 of 4 stars; one submission).

Conditions:
Pyogenic bacterial infections due to MyD88 deficiency (IMD68). Also called: PYOGENIC BACTERIAL INFECTIONS, RECURRENT, DUE TO MYD88 DEFICIENCY. Identifiers: Orphanet 183713, MedGen C2677092, MONDO:0012839, OMIM 612260.

gnomAD v4.1: 1 of 1,614,234 alleles (0.000062%); highest among the groups gnomAD compares: Non-Finnish European, 0.000085%; no homozygotes.

Submission:

3billion
Classification: Likely pathogenic for Pyogenic bacterial infections due to MyD88 deficiency. Last evaluated: 2025-08-22. Review status: criteria provided, single submitter. Criteria: ACMG Guidelines, 2015. Collection method: clinical testing. Allele origin: germline. Affected: yes.
Comment: The variant is observed at an extremely low frequency in the gnomAD v4.1.0 dataset (total allele frequency: <0.001%). Predicted Consequence/Location: Stop-gained (nonsense): predicted to result in a loss or disruption of normal protein function through nonsense-mediated decay (NMD) or protein truncation. Therefore, this variant is classified as Likely pathogenic according to the recommendation of ACMG/AMP guideline.